The following is an entry in ClinVar:

NM_017654.4(SAMD9):c.1327G>C (p.Asp443His)

Gene: SAMD9 (sterile alpha motif domain containing 9; minus strand). Cytogenetic location: 7q21.2.
Variant type: single nucleotide variant.
Coding change: c.1327G>C on transcript NM_017654.4 (MANE Select); coding-DNA position 1327, G replaced by C.
Protein change: p.Asp443His; replaces aspartic acid 443 with histidine.
Molecular consequence: missense variant.
Genome position (GRCh38, 1-based): chr7:93,104,771, C>G on the plus strand (G>C on the coding strand, the complement: SAMD9 is on the minus strand). VCF-style: chr7-93104771-C-G. GRCh37 (hg19) VCF-style: chr7-92734084-C-G.
Other names: c.1327G>C, p.Asp443His (NM_001193307.2); short protein forms D443H.
Identifiers: ClinVar variation 3689576 (VCV003689576.2).

ClinVar aggregate classification (germline): Uncertain significance (1 of 4 stars; one submission).

Submission:

Labcorp Genetics (formerly Invitae), Labcorp
Classification: Uncertain significance. Last evaluated: 2024-09-29. Review status: criteria provided, single submitter. Criteria: Invitae Variant Classification Sherloc (09022015). Collection method: clinical testing. Allele origin: germline.
Comment: This sequence change replaces aspartic acid, which is acidic and polar, with histidine, which is basic and polar, at codon 443 of the SAMD9 protein (p.Asp443His). This variant is not present in population databases (gnomAD no frequency). This variant has not been reported in the literature in individuals affected with SAMD9-related conditions. Invitae Evidence Modeling of protein sequence and biophysical properties (such as structural, functional, and spatial information, amino acid conservation, physicochemical variation, residue mobility, and thermodynamic stability) has been performed for this missense variant. However, the output from this modeling did not meet the statistical confidence thresholds required to predict the impact of this variant on SAMD9 protein function. In summary, the available evidence is currently insufficient to determine the role of this variant in disease. Therefore, it has been classified as a Variant of Uncertain Significance.